The following is an entry in ClinVar:

ClinVar aggregate classification (germline): Uncertain significance. Review status: criteria provided, multiple submitters, no conflicts (2 of 4 stars). 2 submissions from 2 submitters: Uncertain significance (2). Last evaluated 2026-09-01.

Conditions:
Hypophosphatasia. Also called: Phosphoethanol-aminuria. Identifiers: Orphanet 436, MedGen C0020630, MeSH D007014, MONDO:0018570.

Submissions (2):

Genomenon, Inc
Classification: Uncertain significance for Hypophosphatasia. Last evaluated: 2026-09-01. Review status: criteria provided, single submitter. Criteria: Genomenon Sequence Variant Interpretation Standards - Updated. Collection method: curation. Allele origin: germline. Affected: yes.
Comment: ALPL p.Asn104Ser (c.311A>G) is a missense variant that changes the amino acid at codon 104 from Asparagine to Serine. This variant has been observed in at least one proband affected with an ALPL-related disorder (PMID:32025537). It is absent or not present at a significant frequency in gnomAD. In silico models predict that this variant is possibly or probably damaging. In conclusion, we classify ALPL p.Asn104Ser (c.311A>G) as a variant of uncertain significance.

Women's Health and Genetics/Laboratory Corporation of America, LabCorp
Classification: Uncertain significance. Last evaluated: 2025-01-20. Review status: criteria provided, single submitter. Criteria: LabCorp Variant Classification Summary - May 2015. Collection method: clinical testing. Allele origin: germline.
Comment: Variant summary: ALPL c.311A>G (p.Asn104Ser) results in a conservative amino acid change in the encoded protein sequence. Four of five in-silico tools predict a damaging effect of the variant on protein function. The variant was absent in 250816 control chromosomes. c.311A>G has been reported in the literature in three heterozygous individuals in one family affected with autosomal dominant Hypophosphatasia (Bhadada_2020). These data indicate that the variant may be associated with disease. To our knowledge, no experimental evidence demonstrating an impact on protein function has been reported. The following publications have been ascertained in the context of this evaluation (PMID: 32025537, 37731773). No submitters have cited clinical-significance assessments for this variant to ClinVar. Based on the evidence outlined above, the variant was classified as VUS-possibly pathogenic.

Literature cited by the submitters: PubMed 32025537 (cited by Genomenon, Inc and Women's Health and Genetics/Laboratory Corporation of America, LabCorp); PubMed 37731773 (cited by Women's Health and Genetics/Laboratory Corporation of America, LabCorp).

NM_000478.6(ALPL):c.311A>G (p.Asn104Ser)

Gene: ALPL (alkaline phosphatase, biomineralization associated; plus strand). Cytogenetic location: 1p36.12.
Variant type: single nucleotide variant.
Coding change: c.311A>G on transcript NM_000478.6 (MANE Select); coding-DNA position 311, A replaced by G.
Protein change: p.Asn104Ser; replaces asparagine 104 with serine.
Molecular consequence: missense variant.
Genome position (GRCh38, 1-based): chr1:21,563,123, A>G. VCF-style: chr1-21563123-A-G. GRCh37 (hg19) VCF-style: chr1-21889616-A-G.
Other names: c.146A>G, p.Asn49Ser (NM_001127501.4); c.80A>G, p.Asn27Ser (NM_001177520.3); c.311A>G, p.Asn104Ser (NM_001369803.2, NM_001369804.2, NM_001369805.2); short protein forms N104S, N27S, N49S.
Identifiers: ClinVar variation 3769516 (VCV003769516.4).